The following is an entry in ClinVar:

ClinVar aggregate classification (germline): Uncertain significance. Review status: criteria provided, multiple submitters, no conflicts (2 of 4 stars). 3 submissions from 3 submitters: Uncertain significance (3). Last evaluated 2024-11-25.

Conditions:
Inborn genetic diseases. Identifiers: MedGen C0950123, MeSH D030342.

Allele frequency attached by ClinVar (database versions not stated): gnomAD exomes 0.00001; ESP Exome Variant Server 0.00008; gnomAD 0.00008 and 0.00009; TOPMed 0.00008.
gnomAD v4.1: 29 of 1,613,922 alleles (0.0018%); highest among the groups gnomAD compares: African/African-American, 0.039%; no homozygotes.

Submissions (3):

Ambry Genetics
Classification: Uncertain significance for Inborn genetic diseases. Last evaluated: 2024-11-25. Review status: criteria provided, single submitter. Criteria: Ambry Variant Classification Scheme 2023. Collection method: clinical testing. Allele origin: germline.

Blueprint Genetics
Classification: Uncertain significance. Last evaluated: 2022-11-09. Review status: criteria provided, single submitter. Criteria: ACMG Guidelines, 2015. Collection method: clinical testing. Allele origin: germline.

Labcorp Genetics (formerly Invitae), Labcorp
Classification: Uncertain significance. Last evaluated: 2022-07-01. Review status: criteria provided, single submitter. Criteria: Invitae Variant Classification Sherloc (09022015). Collection method: clinical testing. Allele origin: germline.
Comment: In summary, the available evidence is currently insufficient to determine the role of this variant in disease. Therefore, it has been classified as a Variant of Uncertain Significance. Algorithms developed to predict the effect of missense changes on protein structure and function are either unavailable or do not agree on the potential impact of this missense change (SIFT: "Deleterious"; PolyPhen-2: "Probably Damaging"; Align-GVGD: "Class C0"). ClinVar contains an entry for this variant (Variation ID: 962970). This variant has not been reported in the literature in individuals affected with KIAA1549-related conditions. This variant is present in population databases (rs377071564, gnomAD 0.02%). This sequence change replaces threonine, which is neutral and polar, with isoleucine, which is neutral and non-polar, at codon 1385 of the KIAA1549 protein (p.Thr1385Ile).

NM_001164665.2(KIAA1549):c.4154C>T (p.Thr1385Ile)

Gene: KIAA1549 (KIAA1549; minus strand). Cytogenetic location: 7q34.
Variant type: single nucleotide variant.
Coding change: c.4154C>T on transcript NM_001164665.2 (MANE Select); coding-DNA position 4154, C replaced by T.
Protein change: p.Thr1385Ile; replaces threonine 1385 with isoleucine.
Molecular consequence: missense variant.
Genome position (GRCh38, 1-based): chr7:138,881,463, G>A on the plus strand (C>T on the coding strand, the complement: KIAA1549 is on the minus strand). VCF-style: chr7-138881463-G-A. GRCh37 (hg19) VCF-style: chr7-138566209-G-A.
Other names: c.4154C>T, p.Thr1385Ile (NM_020910.3); short protein forms T1385I.
Identifiers: ClinVar variation 962970 (VCV000962970.12), dbSNP rs377071564, ClinGen allele CA4505993.
Genomic context (GRCh38, chr7:138,881,463, plus strand): 5'-ACATTCTTGGAAGGGATCTTTGACTTGGGGCTTGGCACGTCTCCATTTTCCGAGGGCGTG[G>A]TGTGGTCCTTCAGAGGTCCTGGCAGTGGCGCTGGCTCATGAATAATCAATATGTCGTCTT-3'
Protein context (NP_001158137.1, residues 1375-1395): APLPGPLKDH[Thr1385Ile]TPSENGDVPS